The following is an entry in ClinVar:

NM_004999.4(MYO6):c.1975C>T (p.Arg659Ter)

Gene: MYO6 (myosin VI; plus strand). Cytogenetic location: 6q14.1.
Variant type: single nucleotide variant.
Coding change: c.1975C>T on transcript NM_004999.4 (MANE Select); coding-DNA position 1975, C replaced by T.
Protein change: p.Arg659Ter; replaces arginine 659 with a stop codon.
Molecular consequence: nonsense. On other transcripts: non-coding transcript variant (1).
Genome position (GRCh38, 1-based): chr6:75,870,677, C>T. VCF-style: chr6-75870677-C-T. GRCh37 (hg19) VCF-style: chr6-76580394-C-T.
Other names: c.1975C>T, p.Arg659Ter (NM_001300899.2, NM_001368136.1, NM_001368137.1 and 2 more transcripts); c.1960C>T, p.Arg654Ter (NM_001368138.1); short protein forms R654*, R659*.
Identifiers: ClinVar variation 986297 (VCV000986297.4), dbSNP rs1777073184, ClinGen allele CA364767971.

ClinVar aggregate classification (germline): Pathogenic (1 of 4 stars; one submission).

Conditions:
Inborn genetic diseases. Identifiers: MedGen C0950123, MeSH D030342.

Allele frequency attached by ClinVar (database versions not stated): gnomAD exomes 0.00001.
gnomAD v4.1: 9 of 1,611,816 alleles (0.00056%); highest among the groups gnomAD compares: Non-Finnish European, 0.00076%; no homozygotes.

Submission:

Ambry Genetics
Classification: Pathogenic for Inborn genetic diseases. Last evaluated: 2020-02-18. Review status: criteria provided, single submitter. Criteria: Ambry Variant Classification Scheme 2023. Collection method: clinical testing. Allele origin: germline.
Comment: The alteration results in a premature stop codon: _x000D_ _x000D_ The c.1975C>T (p.R659*) alteration, located in exon 19 (coding exon 18) of the MYO6 gene, results from a C to T substitution at nucleotide position 1975. This changes the amino acid from an arginine (R) to a stop codon at amino acid position 659. This alteration is expected to result in loss of function by premature protein truncation or nonsense-mediated mRNA decay. The alteration is not observed in population databases: _x000D_ _x000D_ Based on data from the Genome Aggregation Database (gnomAD), the MYO6 c.1975C>T alteration was not observed, with coverage at this position. The alteration has been observed in affected individuals:_x000D_ _x000D_ The c.1975C>T (p.R659*) alteration was previously reported in a Japanese family with individuals spanning three generations with bilateral sensorineural hearing loss (Miyagawa, 2013). Based on the available evidence, this alteration is classified as pathogenic.

Literature cited by the submitters: PubMed 18212818; PubMed 23967202; PubMed 25999546.